The following is an entry in ClinVar:

ClinVar aggregate classification (germline): Uncertain significance (1 of 4 stars; one submission).

Conditions:
Familial hemophagocytic lymphohistiocytosis 5. Also called: STXBP2-Related Familial Hemophagocytic Lymphohistiocytosis (STXBP2-fHLH). Identifiers: Orphanet 540, MedGen C2751293, MONDO:0013135, OMIM 613101.

Allele frequency attached by ClinVar (database versions not stated): gnomAD exomes 0.00001.
gnomAD v4.1: 8 of 1,614,128 alleles (0.0005%); highest among the groups gnomAD compares: Non-Finnish European, 0.00068%; no homozygotes.

Submission:

Labcorp Genetics (formerly Invitae), Labcorp
Classification: Uncertain significance for Familial hemophagocytic lymphohistiocytosis 5. Last evaluated: 2023-02-16. Review status: criteria provided, single submitter. Criteria: Invitae Variant Classification Sherloc (09022015). Collection method: clinical testing. Allele origin: germline.
Comment: This sequence change replaces alanine, which is neutral and non-polar, with valine, which is neutral and non-polar, at codon 350 of the STXBP2 protein (p.Ala350Val). This variant is not present in population databases (gnomAD no frequency). This variant has not been reported in the literature in individuals affected with STXBP2-related conditions. Advanced modeling of protein sequence and biophysical properties (such as structural, functional, and spatial information, amino acid conservation, physicochemical variation, residue mobility, and thermodynamic stability) performed at Invitae indicates that this missense variant is not expected to disrupt STXBP2 protein function. In summary, the available evidence is currently insufficient to determine the role of this variant in disease. Therefore, it has been classified as a Variant of Uncertain Significance.

NM_006949.4(STXBP2):c.1049C>T (p.Ala350Val)

Gene: STXBP2 (syntaxin binding protein 2; plus strand). Cytogenetic location: 19p13.2.
Variant type: single nucleotide variant.
Coding change: c.1049C>T on transcript NM_006949.4 (MANE Select); coding-DNA position 1049, C replaced by T.
Protein change: p.Ala350Val; replaces alanine 350 with valine.
Molecular consequence: missense variant.
Genome position (GRCh38, 1-based): chr19:7,643,187, C>T. VCF-style: chr19-7643187-C-T. GRCh37 (hg19) VCF-style: chr19-7708073-C-T.
Other names: c.1040C>T, p.Ala347Val (NM_001127396.3); c.1082C>T, p.Ala361Val (NM_001272034.2); c.953C>T, p.Ala318Val (NM_001414484.1); short protein forms A350V, A318V, A347V, A361V.
Identifiers: ClinVar variation 2858675 (VCV002858675.1), dbSNP rs2512700842, ClinGen allele CA403160833.